The following is an entry in ClinVar:

ClinVar aggregate classification (germline): Likely benign. Review status: criteria provided, multiple submitters, no conflicts (2 of 4 stars). 2 submissions from 2 submitters: Likely benign (2). Last evaluated 2025-10-07.

Allele frequency attached by ClinVar (database versions not stated): TOPMed below 0.00001; ExAC 0.00001; gnomAD 0.00001; gnomAD exomes 0.00003.
gnomAD v4.1: 46 of 1,614,044 alleles (0.0028%); highest among the groups gnomAD compares: Non-Finnish European, 0.0036%; no homozygotes.

Submissions (2):

Labcorp Genetics (formerly Invitae), Labcorp
Classification: Likely benign. Last evaluated: 2025-10-07. Review status: criteria provided, single submitter. Criteria: Invitae Variant Classification Sherloc (09022015). Collection method: clinical testing. Allele origin: germline.

CeGaT Center for Human Genetics Tuebingen
Classification: Likely benign. Last evaluated: 2025-06-01. Review status: criteria provided, single submitter. Criteria: CeGaT Center For Human Genetics Tuebingen Variant Classification Criteria Version 2. Collection method: clinical testing. Allele origin: germline. Affected: yes. Observed: 1 variant allele.
Comment: CACNA1D: BP4, BP7

NM_001128840.3(CACNA1D):c.301C>A (p.Arg101=)

Gene: CACNA1D (calcium voltage-gated channel subunit alpha1 D; plus strand). Cytogenetic location: 3p21.1.
Variant type: single nucleotide variant.
Coding change: c.301C>A on transcript NM_001128840.3 (MANE Select); coding-DNA position 301, C replaced by A.
Protein change: p.Arg101=; no amino-acid change (arginine 101 retained).
Molecular consequence: synonymous variant.
Genome position (GRCh38, 1-based): chr3:53,497,385, C>A. VCF-style: chr3-53497385-C-A. GRCh37 (hg19) VCF-style: chr3-53531412-C-A.
Other names: c.301C>A, p.Arg101= (NM_000720.4, NM_001128839.3).
Identifiers: ClinVar variation 3002256 (VCV003002256.11), dbSNP rs772267259, ClinGen allele CA2453655.